The following is an entry in ClinVar:

ClinVar aggregate classification (germline): Uncertain significance (1 of 4 stars; one submission).

Allele frequency attached by ClinVar (database versions not stated): 1000 Genomes Project 0.00026; TOPMed 0.00003; 1000 Genomes Project 30x 0.00042; gnomAD 0.00004; ExAC 0.00005.
gnomAD v4.1: 21 of 1,208,361 alleles (0.0017%); highest among the groups gnomAD compares: Middle Eastern, 0.023%; no homozygotes.

Submission:

Ambry Genetics
Classification: Uncertain significance. Last evaluated: 2025-09-25. Review status: criteria provided, single submitter. Criteria: Ambry Variant Classification Scheme 2023. Collection method: clinical testing. Allele origin: germline.
Comment: The c.1135C>T (p.R379C) alteration is located in exon 8 (coding exon 8) of the PRICKLE3 gene. This alteration results from a C to T substitution at nucleotide position 1135, causing the arginine (R) at amino acid position 379 to be replaced by a cysteine (C). Based on data from gnomAD, the T allele has an overall frequency of 0.002% (3/174256) total alleles studied. The highest observed frequency was 0.004% (1/26816) of Latino alleles. Based on insufficient or conflicting evidence, the clinical significance of this alteration remains unclear.

NM_006150.5(PRICKLE3):c.1135C>T (p.Arg379Cys)

Gene: PRICKLE3 (prickle planar cell polarity protein 3; minus strand). Cytogenetic location: Xp11.23.
Variant type: single nucleotide variant.
Coding change: c.1135C>T on transcript NM_006150.5 (MANE Select); coding-DNA position 1135, C replaced by T.
Protein change: p.Arg379Cys; replaces arginine 379 with cysteine.
Molecular consequence: missense variant.
Genome position (GRCh38, 1-based): chrX:49,177,023, G>A on the plus strand (C>T on the coding strand, the complement: PRICKLE3 is on the minus strand). VCF-style: chrX-49177023-G-A. GRCh37 (hg19) VCF-style: chrX-49033372-G-A.
Other names: c.931C>T, p.Arg311Cys (NM_001307979.2); short protein forms R311C, R379C.
Identifiers: ClinVar variation 2618029 (VCV002618029.3), dbSNP rs781960793, ClinGen allele CA10409450.